The following is an entry in ClinVar:

NM_002661.5(PLCG2):c.402G>A (p.Met134Ile)

Gene: PLCG2 (phospholipase C gamma 2; plus strand). Cytogenetic location: 16q23.3.
Variant type: single nucleotide variant.
Coding change: c.402G>A on transcript NM_002661.5 (MANE Select); coding-DNA position 402, G replaced by A.
Protein change: p.Met134Ile; replaces methionine 134 with isoleucine.
Molecular consequence: missense variant.
Genome position (GRCh38, 1-based): chr16:81,858,327, G>A. VCF-style: chr16-81858327-G-A. GRCh37 (hg19) VCF-style: chr16-81891932-G-A.
Other names: c.402G>A, p.Met134Ile (NM_001425749.1, NM_001425750.1, NM_001425751.1); short protein forms M134I.
Identifiers: ClinVar variation 3646644 (VCV003646644.2).

ClinVar aggregate classification (germline): Uncertain significance (1 of 4 stars; one submission).

Conditions:
Familial cold autoinflammatory syndrome 3 (FCAS3). Also called: FAMILIAL ATYPICAL COLD URTICARIA; ANTIBODY DEFICIENCY AND IMMUNE DYSREGULATION, PLCG2-ASSOCIATED. Identifiers: Orphanet 300359, MedGen C3280914, MONDO:0013766, OMIM 614468.

Submission:

Labcorp Genetics (formerly Invitae), Labcorp
Classification: Uncertain significance for Familial cold autoinflammatory syndrome 3. Last evaluated: 2024-03-18. Review status: criteria provided, single submitter. Criteria: Invitae Variant Classification Sherloc (09022015). Collection method: clinical testing. Allele origin: germline.
Comment: This sequence change replaces methionine, which is neutral and non-polar, with isoleucine, which is neutral and non-polar, at codon 134 of the PLCG2 protein (p.Met134Ile). This variant is not present in population databases (gnomAD no frequency). This variant has not been reported in the literature in individuals affected with PLCG2-related conditions. An algorithm developed to predict the effect of missense changes on protein structure and function (PolyPhen-2) suggests that this variant is likely to be tolerated. In summary, the available evidence is currently insufficient to determine the role of this variant in disease. Therefore, it has been classified as a Variant of Uncertain Significance.